The following is an entry in ClinVar:

ClinVar aggregate classification (germline): Conflicting classifications of pathogenicity. Review status: criteria provided, conflicting classifications (1 of 4 stars). 4 submissions from 4 submitters: Uncertain significance (1); Likely benign (2). 1 of the submissions does not count toward it. Last evaluated 2025-10-14.

Conditions:
TUBGCP6-related disorder. Also called: TUBGCP6-related condition.

Allele frequency attached by ClinVar (database versions not stated): gnomAD 0.00002 and 0.00003; TOPMed 0.00002; ExAC 0.00004; gnomAD exomes 0.00004.
gnomAD v4.1: 33 of 1,611,838 alleles (0.002%); highest among the groups gnomAD compares: Non-Finnish European, 0.0026%; no homozygotes.

Submissions (4):

Labcorp Genetics (formerly Invitae), Labcorp
Classification: Likely benign. Last evaluated: 2025-10-14. Review status: criteria provided, single submitter. Criteria: Invitae Variant Classification Sherloc (09022015). Collection method: clinical testing. Allele origin: germline.

Blueprint Genetics
Classification: Likely benign. Last evaluated: 2022-10-05. Review status: criteria provided, single submitter. Criteria: ACMG Guidelines, 2015. Collection method: clinical testing. Allele origin: germline.

CeGaT Center for Human Genetics Tuebingen
Classification: Uncertain significance. Last evaluated: 2021-04-01. Review status: criteria provided, single submitter. Criteria: CeGaT Center For Human Genetics Tuebingen Variant Classification Criteria Version 2. Collection method: clinical testing. Allele origin: germline. Affected: yes. Observed: 1 variant allele.

PreventionGenetics, part of Exact Sciences
Classification: Likely benign for TUBGCP6-related condition. Last evaluated: 2023-08-21. Review status: no assertion criteria provided. Collection method: clinical testing. Allele origin: germline. Not counted in ClinVar's aggregate classification.
Comment: This variant is classified as likely benign based on ACMG/AMP sequence variant interpretation guidelines (Richards et al. 2015 PMID: 25741868, with internal and published modifications).

NM_020461.4(TUBGCP6):c.5169-5C>T

Gene: TUBGCP6 (tubulin gamma complex component 6; minus strand). Cytogenetic location: 22q13.33.
Variant type: single nucleotide variant.
Coding change: c.5169-5C>T on transcript NM_020461.4 (MANE Select); 5 bases into the intron before coding-DNA position 5169, C replaced by T.
Molecular consequence: intron variant.
Genome position (GRCh38, 1-based): chr22:50,218,122, G>A on the plus strand (C>T on the coding strand, the complement: TUBGCP6 is on the minus strand). VCF-style: chr22-50218122-G-A. GRCh37 (hg19) VCF-style: chr22-50656551-G-A.
Other names: c.5169-5C>T (NM_020461.3).
Identifiers: ClinVar variation 1138892 (VCV001138892.45), dbSNP rs777828441, ClinGen allele CA10307137.
Genomic context (GRCh38, chr22:50,218,122, plus strand): 5'-TGAAGATGCTGTGGATGACGTTCATGACGGGCGCCGCCTTCTCCGTGAGCAGGCCCCTGG[G>A]GGGAAGCAGTGCTGCTGGGTGGGCTGAGCCGTGACCACAGGGACGCAGCCGCTGCCCAGG-3'